The following is an entry in ClinVar:

NM_001349253.2(SCN11A):c.1604-17C>A

Gene: SCN11A (sodium voltage-gated channel alpha subunit 11; minus strand). Cytogenetic location: 3p22.2.
Variant type: single nucleotide variant.
Coding change: c.1604-17C>A on transcript NM_001349253.2 (MANE Select); 17 bases into the intron before coding-DNA position 1604, C replaced by A.
Molecular consequence: intron variant.
Genome position (GRCh38, 1-based): chr3:38,904,120, G>T on the plus strand (C>A on the coding strand, the complement: SCN11A is on the minus strand). VCF-style: chr3-38904120-G-T. GRCh37 (hg19) VCF-style: chr3-38945611-G-T.
Other names: c.1604-17C>A (NM_014139.3).
Identifiers: ClinVar variation 2932421 (VCV002932421.3), dbSNP rs961995080, ClinGen allele CA2665127917.
Genomic context (GRCh38, chr3:38,904,120, plus strand): 5'-GTTTTCTCCACAAGGGAGACAAGGCTCTTGTGATTTTTCTTGTTCTGGAGGAGAATGAGC[G>T]AGAGGTTGAGGAGTTAGCTCTGAAGCAATCCAGATGCCCTTTGCCTGAGTGCATTCCTTC-3'

ClinVar aggregate classification (germline): Uncertain significance (1 of 4 stars; one submission).

Conditions:
Hereditary sensory and autonomic neuropathy type 7. Also called: Neuropathy, hereditary sensory and autonomic, type VII; HSAN VII. Identifiers: Orphanet 391397, MedGen C3809882, MONDO:0014244, OMIM 615548.
Familial episodic pain syndrome with predominantly lower limb involvement. Also called: Episodic pain syndrome, familial, 3. Identifiers: Orphanet 391384, Orphanet 391392, MedGen C3809899, MONDO:0014247, OMIM 615552.

gnomAD v4.1: 2 of 1,513,020 alleles (0.00013%); highest among the groups gnomAD compares: Non-Finnish European, 0.00018%; no homozygotes.

Submission:

Labcorp Genetics (formerly Invitae), Labcorp
Classification: Uncertain significance for Familial episodic pain syndrome with predominantly lower limb involvement; Hereditary sensory and autonomic neuropathy type 7. Last evaluated: 2023-04-05. Review status: criteria provided, single submitter. Criteria: Invitae Variant Classification Sherloc (09022015). Collection method: clinical testing. Allele origin: germline.
Comment: This sequence change falls in intron 11 of the SCN11A gene. It does not directly change the encoded amino acid sequence of the SCN11A protein. This variant is not present in population databases (gnomAD no frequency). This variant has not been reported in the literature in individuals affected with SCN11A-related conditions. Algorithms developed to predict the effect of sequence changes on RNA splicing suggest that this variant may disrupt the consensus splice site. In summary, the available evidence is currently insufficient to determine the role of this variant in disease. Therefore, it has been classified as a Variant of Uncertain Significance.